The following is an entry in ClinVar:

ClinVar aggregate classification (germline): Conflicting classifications of pathogenicity. Review status: criteria provided, conflicting classifications (1 of 4 stars). 5 submissions from 5 submitters: Uncertain significance (3); Likely benign (2). Last evaluated 2025-08-07.

Conditions:
Developmental and epileptic encephalopathy, 42 (DEE42A). Also called: Epileptic encephalopathy, early infantile, 42; DEVELOPMENTAL AND EPILEPTIC ENCEPHALOPATHY 42A; EPILEPTIC ENCEPHALOPATHY, EARLY INFANTILE, 42A. Identifiers: MedGen C4310716, MONDO:0014917, OMIM 617106.
Episodic ataxia type 2 (EA2). Also called: ACETAZOLAMIDE-RESPONSIVE HEREDITARY PAROXYSMAL CEREBELLAR ATAXIA; ATAXIA, EPISODIC, WITH NYSTAGMUS; ATAXIA, FAMILIAL PAROXYSMAL; CEREBELLAR ATAXIA, PAROXYSMAL, ACETAZOLAMIDE-RESPONSIVE; CEREBELLOPATHY, HEREDITARY PAROXYSMAL; EPISODIC ATAXIA, NYSTAGMUS-ASSOCIATED. Identifiers: Orphanet 97, MedGen C1720416, MONDO:0007163, OMIM 108500.
Inborn genetic diseases. Identifiers: MedGen C0950123, MeSH D030342.

Allele frequency attached by ClinVar (database versions not stated): gnomAD 0.00002 and 0.00005; gnomAD exomes 0.00005 and 0.00006; TOPMed 0.00005; ExAC 0.00011; 1000 Genomes Project 30x 0.00016; 1000 Genomes Project 0.00020; ESP Exome Variant Server 0.00024.
gnomAD v4.1: 82 of 1,510,702 alleles (0.0054%); highest among the groups gnomAD compares: Middle Eastern, 0.04%; no homozygotes.

Submissions (5):

Labcorp Genetics (formerly Invitae), Labcorp
Classification: Likely benign for Developmental and epileptic encephalopathy, 42; Episodic ataxia type 2. Last evaluated: 2025-08-07. Review status: criteria provided, single submitter. Criteria: Invitae Variant Classification Sherloc (09022015). Collection method: clinical testing. Allele origin: germline.

CeGaT Center for Human Genetics Tuebingen
Classification: Uncertain significance. Last evaluated: 2023-02-01. Review status: criteria provided, single submitter. Criteria: CeGaT Center For Human Genetics Tuebingen Variant Classification Criteria Version 2. Collection method: clinical testing. Allele origin: germline. Affected: yes. Observed: 1 variant allele.
Comment: CACNA1A: PP2

Ambry Genetics
Classification: Uncertain significance for Inborn genetic diseases. Last evaluated: 2021-08-02. Review status: criteria provided, single submitter. Criteria: Ambry Variant Classification Scheme 2023. Collection method: clinical testing. Allele origin: germline.

GeneDx
Classification: Likely benign. Last evaluated: 2020-12-16. Review status: criteria provided, single submitter. Criteria: GeneDx Variant Classification Process June 2021. Collection method: clinical testing. Allele origin: germline. Affected: yes.

Athena Diagnostics
Classification: Uncertain significance. Last evaluated: 2019-01-29. Review status: criteria provided, single submitter. Criteria: Athena Diagnostics Criteria. Collection method: clinical testing. Allele origin: germline.

NM_001127222.2(CACNA1A):c.5986A>G (p.Thr1996Ala)

Gene: CACNA1A (calcium voltage-gated channel subunit alpha1 A; minus strand). Cytogenetic location: 19p13.13.
Variant type: single nucleotide variant.
Coding change: c.5986A>G on transcript NM_001127222.2 (MANE Select); coding-DNA position 5986, A replaced by G.
Protein change: p.Thr1996Ala; replaces threonine 1996 with alanine.
Molecular consequence: missense variant.
Genome position (GRCh38, 1-based): chr19:13,212,695, T>C on the plus strand (A>G on the coding strand, the complement: CACNA1A is on the minus strand). VCF-style: chr19-13212695-T-C. GRCh37 (hg19) VCF-style: chr19-13323509-T-C.
Other names: c.6004A>G, p.Thr2002Ala (NM_000068.4, NM_023035.3); c.5989A>G, p.Thr1997Ala (NM_001127221.2); c.5995A>G, p.Thr1999Ala (NM_001174080.2); short protein forms T1997A, T1999A, T2002A, T1996A.
Identifiers: ClinVar variation 450300 (VCV000450300.35), dbSNP rs141963371, ClinGen allele CA9239514.